The following is an entry in ClinVar:

NM_001918.5(DBT):c.1342_1351del (p.Trp448fs)

Gene: DBT (dihydrolipoamide branched chain transacylase E2; minus strand). Cytogenetic location: 1p21.2.
Variant type: Deletion.
Coding change: c.1342_1351del on transcript NM_001918.5 (MANE Select); coding-DNA positions 1342 to 1351, 10 bases deleted (TGGTCAGCTG; older notation c.1342_1351delTGGTCAGCTG).
Protein change: p.Trp448fs; shifts the reading frame from tryptophan 448.
Molecular consequence: frameshift variant. On other transcripts: non-coding transcript variant (4).
Genome position (GRCh38, 1-based): chr1:100,196,353-100,196,362, CAGCTGACCA deleted on the plus strand (TGGTCAGCTG on the coding strand, the reverse complement: DBT is on the minus strand). VCF-style (leftmost placement, unchanged base first): chr1-100196352-TCAGCTGACCA-T. GRCh37 (hg19) VCF-style: chr1-100661908-TCAGCTGACCA-T.
Other names: c.799_808del, p.Trp267fs (NM_001399969.1, NM_001399972.1); short protein forms W267fs, W448fs.
Identifiers: ClinVar variation 1996486 (VCV001996486.4), dbSNP rs2524063437, ClinGen allele CA2580060682.
Genomic context (GRCh38, chr1:100,196,352, plus strand): 5'-AAATAGGATTTCCACAAATTGGAGAAGCGTGACATTGTAGCACCATCAATAACTCTGTGA[TCAGCTGACCA>T]GCTCACATTCATTATCTGTGCCTTATATACTTCTCCTTTCTGGTTAAATCGGGGAATGGC-3'

ClinVar aggregate classification (germline): Pathogenic (1 of 4 stars; one submission).

Conditions:
Maple syrup urine disease (MSUD). Identifiers: Orphanet 511, MedGen C0024776, MeSH D008375, MONDO:0009563. Disease mechanism: loss of function.

Submission:

Labcorp Genetics (formerly Invitae), Labcorp
Classification: Pathogenic for Maple syrup urine disease. Last evaluated: 2022-05-19. Review status: criteria provided, single submitter. Criteria: Invitae Variant Classification Sherloc (09022015). Collection method: clinical testing. Allele origin: germline.
Comment: This variant disrupts a region of the DBT protein in which other variant(s) (p.Met477Arg) have been determined to be pathogenic (PMID: 20307994; Invitae). This suggests that this is a clinically significant region of the protein, and that variants that disrupt it are likely to be disease-causing. This sequence change creates a premature translational stop signal (p.Trp448Ilefs*21) in the DBT gene. While this is not anticipated to result in nonsense mediated decay, it is expected to disrupt the last 35 amino acid(s) of the DBT protein. This variant is not present in population databases (gnomAD no frequency). This variant has not been reported in the literature in individuals affected with DBT-related conditions. For these reasons, this variant has been classified as Pathogenic.

Literature cited by the submitters: PubMed 20307994.